The following is an entry in ClinVar:

NM_001165963.4(SCN1A):c.1237T>A (p.Tyr413Asn)

Gene: SCN1A (sodium voltage-gated channel alpha subunit 1; minus strand). Cytogenetic location: 2q24.3.
Variant type: single nucleotide variant.
Coding change: c.1237T>A on transcript NM_001165963.4 (MANE Select); coding-DNA position 1237, T replaced by A.
Protein change: p.Tyr413Asn; replaces tyrosine 413 with asparagine.
Molecular consequence: missense variant. On other transcripts: 5 prime UTR variant (1), non-coding transcript variant (1).
Genome position (GRCh38, 1-based): chr2:166,046,910, A>T on the plus strand (T>A on the coding strand, the complement: SCN1A is on the minus strand). VCF-style: chr2-166046910-A-T. GRCh37 (hg19) VCF-style: chr2-166903420-A-T.
Other names: c.1237T>A, p.Tyr413Asn (NM_001165964.3, NM_001202435.3, NM_001353948.2 and 10 more transcripts); c.-1189T>A (NM_001353961.2); short protein forms Y413N.
Identifiers: ClinVar variation 68509 (VCV000068509.4), dbSNP rs121917967, ClinGen allele CA284877.

ClinVar aggregate classification (germline): Pathogenic. Review status: no assertion criteria provided (0 of 4 stars). 2 submissions from 2 submitters: Pathogenic (1). 1 of the submissions does not count toward it.

Conditions:
Severe myoclonic epilepsy in infancy (DRVT). Also called: SEVERE MYOCLONIC EPILEPSY OF INFANCY; DEVELOPMENTAL AND EPILEPTIC ENCEPHALOPATHY 6A; Severe Myoclonic Epilepsy in Infancy (SMEI); Dravet syndrome; Epileptic encephalopathy, early infantile, 6 (Dravet syndrome). Identifiers: Orphanet 33069, MedGen C0751122, MONDO:0100135, OMIM 607208.

Submissions (2):

ClinVar Staff, National Center for Biotechnology Information (NCBI)
Classification: Pathogenic for Severe myoclonic epilepsy in infancy. Review status: no assertion criteria provided. Collection method: literature only. Allele origin: unknown.

UniProtKB/Swiss-Prot
No classification provided. Condition: Severe myoclonic epilepsy in infancy. Review status: no classification provided. Collection method: not provided. Allele origin: unknown. Not counted in ClinVar's aggregate classification.

Literature cited by the submitters: PubMed 16713920 (cited by ClinVar Staff, National Center for Biotechnology Information (NCBI)); PubMed 17347258 (cited by ClinVar Staff, National Center for Biotechnology Information (NCBI)); PubMed 19589774 (cited by ClinVar Staff, National Center for Biotechnology Information (NCBI)).